The following is an entry in ClinVar:

NM_032228.6(FAR1):c.955+12C>T

Gene: FAR1 (fatty acyl-CoA reductase 1; plus strand). Cytogenetic location: 11p15.3.
Variant type: single nucleotide variant.
Coding change: c.955+12C>T on transcript NM_032228.6 (MANE Select); 12 bases into the intron after coding-DNA position 955, C replaced by T.
Molecular consequence: intron variant.
Genome position (GRCh38, 1-based): chr11:13,713,045, C>T. VCF-style: chr11-13713045-C-T. GRCh37 (hg19) VCF-style: chr11-13734592-C-T.
Identifiers: ClinVar variation 2967585 (VCV002967585.5), dbSNP rs201418977, ClinGen allele CA5893427.

ClinVar aggregate classification (germline): Likely benign. Review status: criteria provided, multiple submitters, no conflicts (2 of 4 stars). 3 submissions from 3 submitters: Likely benign (3). Last evaluated 2026-06-02.

Allele frequency attached by ClinVar (database versions not stated): ExAC 0.00001; gnomAD 0.00001; gnomAD exomes 0.00002.
gnomAD v4.1: 31 of 1,608,954 alleles (0.0019%); highest among the groups gnomAD compares: Middle Eastern, 0.016%; no homozygotes.

Submissions (3):

Women's Health and Genetics/Laboratory Corporation of America, LabCorp
Classification: Likely benign. Last evaluated: 2026-06-02. Review status: criteria provided, single submitter. Criteria: LabCorp Variant Classification Summary - May 2015. Collection method: clinical testing. Allele origin: germline.
Comment: Variant summary: FAR1 c.955+12C>T alters a nucleotide located at a position not widely known to affect splicing. Consensus agreement among computation tools predict no significant impact on normal splicing. However, these predictions have yet to be confirmed by functional studies. The variant allele was found at a frequency of 1.2e-05 in 251174 control chromosomes. The available data on variant occurrences in the general population are insufficient to allow any conclusion about variant significance. To our knowledge, no occurrence of c.955+12C>T in individuals affected with FAR1-related conditions and no experimental evidence demonstrating its impact on protein function have been reported. ClinVar contains an entry for this variant (Variation ID: 2967585). Based on the evidence outlined above, the variant was classified as likely benign.

Labcorp Genetics (formerly Invitae), Labcorp
Classification: Likely benign. Last evaluated: 2024-02-23. Review status: criteria provided, single submitter. Criteria: Invitae Variant Classification Sherloc (09022015). Collection method: clinical testing. Allele origin: germline.

Blueprint Genetics
Classification: Likely benign. Last evaluated: 2023-03-24. Review status: criteria provided, single submitter. Criteria: ACMG Guidelines, 2015. Collection method: clinical testing. Allele origin: germline.